The following is an entry in ClinVar:

ClinVar aggregate classification (germline): Uncertain significance (1 of 4 stars; one submission).

Allele frequency attached by ClinVar (database versions not stated): gnomAD 0.00001.
gnomAD v4.1: 2 of 1,614,028 alleles (0.00012%); highest among the groups gnomAD compares: Admixed American, 0.0033%; no homozygotes.

Submission:

Labcorp Genetics (formerly Invitae), Labcorp
Classification: Uncertain significance. Last evaluated: 2021-12-02. Review status: criteria provided, single submitter. Criteria: Invitae Variant Classification Sherloc (09022015). Collection method: clinical testing. Allele origin: germline.
Comment: This sequence change replaces valine, which is neutral and non-polar, with isoleucine, which is neutral and non-polar, at codon 788 of the REST protein (p.Val788Ile). This variant is not present in population databases (gnomAD no frequency). This variant has not been reported in the literature in individuals affected with REST-related conditions. Algorithms developed to predict the effect of missense changes on protein structure and function (SIFT, PolyPhen-2, Align-GVGD) all suggest that this variant is likely to be tolerated. In summary, the available evidence is currently insufficient to determine the role of this variant in disease. Therefore, it has been classified as a Variant of Uncertain Significance.

NM_005612.5(REST):c.2362G>A (p.Val788Ile)

Gene: REST (RE1 silencing transcription factor; plus strand). Cytogenetic location: 4q12.
Variant type: single nucleotide variant.
Coding change: c.2362G>A on transcript NM_005612.5 (MANE Select); coding-DNA position 2362, G replaced by A.
Protein change: p.Val788Ile; replaces valine 788 with isoleucine.
Molecular consequence: missense variant.
Genome position (GRCh38, 1-based): chr4:56,931,220, G>A. VCF-style: chr4-56931220-G-A. GRCh37 (hg19) VCF-style: chr4-57797386-G-A.
Other names: c.2362G>A, p.Val788Ile (NM_001193508.2, NM_001363453.3); short protein forms V788I.
Identifiers: ClinVar variation 2416973 (VCV002416973.6), dbSNP rs1720955844, ClinGen allele CA357008620.